The following is an entry in ClinVar:

ClinVar aggregate classification (germline): Uncertain significance (1 of 4 stars; one submission).

Allele frequency attached by ClinVar (database versions not stated): gnomAD exomes below 0.00001; gnomAD 0.00001 and 0.00002; TOPMed 0.00001.
gnomAD v4.1: 31 of 1,592,730 alleles (0.0019%); highest among the groups gnomAD compares: Non-Finnish European, 0.0026%; no homozygotes.

Submission:

Labcorp Genetics (formerly Invitae), Labcorp
Classification: Uncertain significance. Last evaluated: 2021-10-22. Review status: criteria provided, single submitter. Criteria: Invitae Variant Classification Sherloc (09022015). Collection method: clinical testing. Allele origin: germline.
Comment: In summary, the available evidence is currently insufficient to determine the role of this variant in disease. Therefore, it has been classified as a Variant of Uncertain Significance. Algorithms developed to predict the effect of missense changes on protein structure and function are either unavailable or do not agree on the potential impact of this missense change (SIFT: "Deleterious"; PolyPhen-2: "Possibly Damaging"; Align-GVGD: "Class C0"). This variant has not been reported in the literature in individuals affected with IFT74-related conditions. This variant is not present in population databases (ExAC no frequency). This sequence change replaces leucine with valine at codon 470 of the IFT74 protein (p.Leu470Val). The leucine residue is highly conserved and there is a small physicochemical difference between leucine and valine.

NM_025103.4(IFT74):c.1408C>G (p.Leu470Val)

Gene: IFT74 (intraflagellar transport 74; plus strand). Cytogenetic location: 9p21.2.
Variant type: single nucleotide variant.
Coding change: c.1408C>G on transcript NM_025103.4 (MANE Select); coding-DNA position 1408, C replaced by G.
Protein change: p.Leu470Val; replaces leucine 470 with valine.
Molecular consequence: missense variant.
Genome position (GRCh38, 1-based): chr9:27,055,683, C>G. VCF-style: chr9-27055683-C-G. GRCh37 (hg19) VCF-style: chr9-27055681-C-G.
Other names: c.1408C>G, p.Leu470Val (NM_001099222.3, NM_001099223.3, NM_001349928.2); short protein forms L470V.
Identifiers: ClinVar variation 1436933 (VCV001436933.4), dbSNP rs1271752655, ClinGen allele CA373128140.